The following is an entry in ClinVar:

NM_016203.4(PRKAG2):c.938G>A (p.Ser313Asn)

Gene: PRKAG2 (protein kinase AMP-activated non-catalytic subunit gamma 2; minus strand). Cytogenetic location: 7q36.1.
Variant type: single nucleotide variant.
Coding change: c.938G>A on transcript NM_016203.4 (MANE Select); coding-DNA position 938, G replaced by A.
Protein change: p.Ser313Asn; replaces serine 313 with asparagine.
Molecular consequence: missense variant.
Genome position (GRCh38, 1-based): chr7:151,576,379, C>T on the plus strand (G>A on the coding strand, the complement: PRKAG2 is on the minus strand). VCF-style: chr7-151576379-C-T. GRCh37 (hg19) VCF-style: chr7-151273465-C-T.
Other names: c.806G>A, p.Ser269Asn (NM_001040633.2); c.563G>A, p.Ser188Asn (NM_001304527.2); c.215G>A, p.Ser72Asn (NM_001304531.2, NM_024429.2); c.566G>A, p.Ser189Asn (NM_001363698.2); short protein forms S188N, S72N, S189N, S269N, S313N.
Identifiers: ClinVar variation 922396 (VCV000922396.6), dbSNP rs748873027, ClinGen allele CA058772.
Genomic context (GRCh38, chr7:151,576,379, plus strand): 5'-TTCTGCTTTCAAGGTTTCCATTTTCGATTTTCCTCAGGCCCACACTGCTTACCTACAAAA[C>T]TTTGTTTTTTACTCTCCCACAGTGGCGCTGCTCGGACACCGTTGGCTACCAAAGCAAAGA-3'
Protein context (NP_057287.2, residues 303-323): AAPLWESKKQ[Ser313Asn]FVGMLTITDF

ClinVar aggregate classification (germline): Uncertain significance. Review status: criteria provided, multiple submitters, no conflicts (2 of 4 stars). 2 submissions from 2 submitters: Uncertain significance (2). Last evaluated 2024-12-12.

Conditions:
Cardiomyopathy (CMYO). Also called: Cardiomyopathies. Identifiers: Orphanet 167848, MedGen C0878544, MONDO:0004994, HP:0001638. Inheritance: Various modes of inheritance.
Lethal congenital glycogen storage disease of heart. Also called: GLYCOGEN STORAGE DISEASE OF HEART; PHOSPHORYLASE KINASE DEFICIENCY OF HEART. Identifiers: Orphanet 439854, MedGen C1849813, MONDO:0009867, OMIM 261740.

Allele frequency attached by ClinVar (database versions not stated): gnomAD exomes below 0.00001; ExAC 0.00001.
gnomAD v4.1: 3 of 1,605,844 alleles (0.00019%); highest among the groups gnomAD compares: Admixed American, 0.0017%; no homozygotes.

Submissions (2):

Labcorp Genetics (formerly Invitae), Labcorp
Classification: Uncertain significance for Lethal congenital glycogen storage disease of heart. Last evaluated: 2024-12-12. Review status: criteria provided, single submitter. Criteria: Invitae Variant Classification Sherloc (09022015). Collection method: clinical testing. Allele origin: germline.
Comment: This sequence change replaces serine, which is neutral and polar, with asparagine, which is neutral and polar, at codon 313 of the PRKAG2 protein (p.Ser313Asn). This variant is present in population databases (rs748873027, gnomAD 0.003%). This variant has not been reported in the literature in individuals affected with PRKAG2-related conditions. ClinVar contains an entry for this variant (Variation ID: 922396). Invitae Evidence Modeling of protein sequence and biophysical properties (such as structural, functional, and spatial information, amino acid conservation, physicochemical variation, residue mobility, and thermodynamic stability) indicates that this missense variant is not expected to disrupt PRKAG2 protein function with a negative predictive value of 95%. In summary, the available evidence is currently insufficient to determine the role of this variant in disease. Therefore, it has been classified as a Variant of Uncertain Significance.

Color Diagnostics, LLC DBA Color Health
Classification: Uncertain significance for Cardiomyopathy. Last evaluated: 2024-03-06. Review status: criteria provided, single submitter. Criteria: ACMG Guidelines, 2015. Collection method: clinical testing. Allele origin: germline.
Comment: This missense variant replaces serine with asparagine at codon 313 of the PRKAG2 protein. Computational prediction suggests that this variant may not impact protein structure and function (internally defined REVEL score threshold <= 0.5, PMID: 27666373). Splice site prediction tools suggest that this variant may not impact RNA splicing. To our knowledge, functional studies have not been performed for this variant. This variant has not been reported in individuals affected with cardiovascular disorders in the literature. This variant has been identified in 1/250716 chromosomes in the general population by the Genome Aggregation Database (gnomAD). The available evidence is insufficient to determine the role of this variant in disease conclusively. Therefore, this variant is classified as a Variant of Uncertain Significance.